The following is an entry in ClinVar:

ClinVar aggregate classification (germline): Pathogenic (0 of 4 stars; one submission).

Conditions:
Anophthalmia/microphthalmia-esophageal atresia syndrome (MCOPS3). Also called: MICROPHTHALMIA AND ESOPHAGEAL ATRESIA SYNDROME; AEG SYNDROME; SOX2 Disorder. Identifiers: Orphanet 77298, MedGen C1859773, MONDO:0008799, OMIM 206900.

Submission:

Anophthalmia/Microphthalmia Research Registry, Einstein Medical Center Philadelphia
Classification: Pathogenic for Anophthalmia/microphthalmia-esophageal atresia syndrome. Review status: no assertion criteria provided. Collection method: clinical testing. Allele origin: germline. Inheritance: Autosomal dominant inheritance. Affected: yes. Observed: 1 variant allele.

NM_003106.4(SOX2):c.-13_43del (p.Met1fs)

Genes: SOX2 (SRY-box transcription factor 2; plus strand), SOX2-OT (SOX2 overlapping transcript; plus strand), LOC108281177 (SOX2 5' regulatory region; plus strand). Cytogenetic location: 3q26.33.
Variant type: Deletion.
Coding change: c.-13_43del on transcript NM_003106.4 (MANE Select); 13 bases upstream of the start codon through coding-DNA position 43, 56 bases deleted.
Protein change: p.Met1fs; shifts the reading frame from methionine 1.
Molecular consequence: frameshift variant, initiator codon variant.
Genome position (GRCh38, 1-based): chr3:181,712,348-181,712,403, 56 bases deleted. GRCh37 (hg19): chr3:181,430,136-181,430,191.
Other names: short protein forms M1fs.
Identifiers: ClinVar variation 986769 (VCV000986769.2), dbSNP rs1714831656, ClinGen allele CA1139658367.